The following is an entry in ClinVar:

ClinVar aggregate classification (germline): Uncertain significance (1 of 4 stars; one submission).

Submission:

Labcorp Genetics (formerly Invitae), Labcorp
Classification: Uncertain significance. Last evaluated: 2024-05-23. Review status: criteria provided, single submitter. Criteria: Invitae Variant Classification Sherloc (09022015). Collection method: clinical testing. Allele origin: germline.
Comment: This sequence change falls in intron 19 of the HMCN1 gene. It does not directly change the encoded amino acid sequence of the HMCN1 protein. This variant is not present in population databases (gnomAD no frequency). This variant has not been reported in the literature in individuals affected with HMCN1-related conditions. Algorithms developed to predict the effect of sequence changes on RNA splicing suggest that this variant may disrupt the consensus splice site. In summary, the available evidence is currently insufficient to determine the role of this variant in disease. Therefore, it has been classified as a Variant of Uncertain Significance.

NM_031935.3(HMCN1):c.2936-6T>G

Gene: HMCN1 (hemicentin 1; plus strand). Cytogenetic location: 1q31.1.
Variant type: single nucleotide variant.
Coding change: c.2936-6T>G on transcript NM_031935.3 (MANE Select); 6 bases into the intron before coding-DNA position 2936, T replaced by G.
Molecular consequence: intron variant.
Genome position (GRCh38, 1-based): chr1:185,987,426, T>G. VCF-style: chr1-185987426-T-G. GRCh37 (hg19) VCF-style: chr1-185956558-T-G.
Identifiers: ClinVar variation 3680010 (VCV003680010.2).
Genomic context (GRCh38, chr1:185,987,426, plus strand): 5'-CTTTAAATAGATGATTTTAAATGGAAGAACAGGTGCTCAGATTCCAAATCCTACTTACCT[T>G]TTCAGTTCTGCCAACCATTCAGCATGGGCAGCAGATACTCAGTACAATTGAAGGCATTCC-3'